The following is an entry in ClinVar:

ClinVar aggregate classification (germline): Uncertain significance (1 of 4 stars; one submission).

Allele frequency attached by ClinVar (database versions not stated): gnomAD exomes below 0.00001; ExAC 0.00001; TOPMed 0.00001.
gnomAD v4.1: 7 of 1,614,094 alleles (0.00043%); highest among the groups gnomAD compares: Middle Eastern, 0.016%; no homozygotes.

Submission:

Labcorp Genetics (formerly Invitae), Labcorp
Classification: Uncertain significance. Last evaluated: 2022-03-11. Review status: criteria provided, single submitter. Criteria: Invitae Variant Classification Sherloc (09022015). Collection method: clinical testing. Allele origin: germline.
Comment: This sequence change replaces serine, which is neutral and polar, with glycine, which is neutral and non-polar, at codon 762 of the LCT protein (p.Ser762Gly). This variant is present in population databases (rs747330950, gnomAD 0.003%). This variant has not been reported in the literature in individuals affected with LCT-related conditions. Algorithms developed to predict the effect of missense changes on protein structure and function output the following: SIFT: "Not Available"; PolyPhen-2: "Benign"; Align-GVGD: "Not Available". The glycine amino acid residue is found in multiple mammalian species, which suggests that this missense change does not adversely affect protein function. Algorithms developed to predict the effect of sequence changes on RNA splicing suggest that this variant may create or strengthen a splice site. In summary, the available evidence is currently insufficient to determine the role of this variant in disease. Therefore, it has been classified as a Variant of Uncertain Significance.

NM_002299.4(LCT):c.2284A>G (p.Ser762Gly)

Gene: LCT (lactase; minus strand). Cytogenetic location: 2q21.3.
Variant type: single nucleotide variant.
Coding change: c.2284A>G on transcript NM_002299.4 (MANE Select); coding-DNA position 2284, A replaced by G.
Protein change: p.Ser762Gly; replaces serine 762 with glycine.
Molecular consequence: missense variant.
Genome position (GRCh38, 1-based): chr2:135,812,380, T>C on the plus strand (A>G on the coding strand, the complement: LCT is on the minus strand). VCF-style: chr2-135812380-T-C. GRCh37 (hg19) VCF-style: chr2-136569950-T-C.
Other names: short protein forms S762G.
Identifiers: ClinVar variation 2413217 (VCV002413217.3), dbSNP rs747330950, ClinGen allele CA1888265.